The following is an entry in ClinVar:

NM_001160372.4(TRAPPC9):c.1980C>T (p.Asn660=)

Gene: TRAPPC9 (trafficking protein particle complex subunit 9; minus strand). Cytogenetic location: 8q24.3.
Variant type: single nucleotide variant.
Coding change: c.1980C>T on transcript NM_001160372.4 (MANE Select); coding-DNA position 1980, C replaced by T.
Protein change: p.Asn660=; no amino-acid change (asparagine 660 retained).
Molecular consequence: synonymous variant. On other transcripts: non-coding transcript variant (1).
Genome position (GRCh38, 1-based): chr8:140,287,609, G>A on the plus strand (C>T on the coding strand, the complement: TRAPPC9 is on the minus strand). VCF-style: chr8-140287609-G-A. GRCh37 (hg19) VCF-style: chr8-141297708-G-A.
Other names: c.1953C>T, p.Asn651= (NM_001321646.2); c.2001C>T, p.Asn667= (NM_001374682.1); c.1980C>T, p.Asn660= (NM_001374683.1, NM_031466.8); c.1836C>T, p.Asn612= (NM_001374684.1).
Identifiers: ClinVar variation 437031 (VCV000437031.20), dbSNP rs146730222, ClinGen allele CA4893253.

ClinVar aggregate classification (germline): Likely benign. Review status: criteria provided, multiple submitters, no conflicts (2 of 4 stars). 5 submissions from 5 submitters: Likely benign (5). Last evaluated 2026-01-01.

Conditions:
Inborn genetic diseases. Identifiers: MedGen C0950123, MeSH D030342.

Allele frequency attached by ClinVar (database versions not stated): gnomAD exomes 0.00006 and 0.00010; ExAC 0.00007; ESP Exome Variant Server 0.00008; gnomAD 0.00011 and 0.00013; TOPMed 0.00012; 1000 Genomes Project 30x 0.00016; 1000 Genomes Project 0.00020.
gnomAD v4.1: 165 of 1,614,074 alleles (0.01%); highest among the groups gnomAD compares: Middle Eastern, 0.12%; no homozygotes.

Submissions (5):

CeGaT Center for Human Genetics Tuebingen
Classification: Likely benign. Last evaluated: 2026-01-01. Review status: criteria provided, single submitter. Criteria: CeGaT Center For Human Genetics Tuebingen Variant Classification Criteria Version 2. Collection method: clinical testing. Allele origin: germline. Affected: yes. Observed: 1 variant allele.
Comment: TRAPPC9: BP4, BP7

Labcorp Genetics (formerly Invitae), Labcorp
Classification: Likely benign. Last evaluated: 2025-12-08. Review status: criteria provided, single submitter. Criteria: Invitae Variant Classification Sherloc (09022015). Collection method: clinical testing. Allele origin: germline.

Ambry Genetics
Classification: Likely benign for Inborn genetic diseases. Last evaluated: 2019-07-03. Review status: criteria provided, single submitter. Criteria: Ambry Variant Classification Scheme 2023. Collection method: clinical testing. Allele origin: germline.

Genetic Services Laboratory, University of Chicago
Classification: Likely benign. Last evaluated: 2016-02-22. Review status: criteria provided, single submitter. Criteria: ACMG Guidelines, 2015. Collection method: clinical testing. Allele origin: germline. Affected: no.

Breakthrough Genomics
Classification: Likely benign. Review status: criteria provided, single submitter. Criteria: ACMG Guidelines, 2015. Collection method: not provided. Allele origin: germline. Inheritance: Autosomal recessive inheritance. Affected: yes.